The following is an entry in ClinVar:

NM_000823.4(GHRHR):c.359C>T (p.Ala120Val)

Gene: GHRHR (growth hormone releasing hormone receptor; plus strand). Cytogenetic location: 7p14.3.
Variant type: single nucleotide variant.
Coding change: c.359C>T on transcript NM_000823.4 (MANE Select); coding-DNA position 359, C replaced by T.
Protein change: p.Ala120Val; replaces alanine 120 with valine.
Molecular consequence: missense variant.
Genome position (GRCh38, 1-based): chr7:30,969,957, C>T. VCF-style: chr7-30969957-C-T. GRCh37 (hg19) VCF-style: chr7-31009572-C-T.
Other names: short protein forms A120V.
Identifiers: ClinVar variation 909905 (VCV000909905.16), dbSNP rs138751215, ClinGen allele CA4208504.

ClinVar aggregate classification (germline): Conflicting classifications of pathogenicity. Review status: criteria provided, conflicting classifications (1 of 4 stars). 4 submissions from 4 submitters: Uncertain significance (2); Benign (1); Likely benign (1). Last evaluated 2026-01-05.

Conditions:
Inborn genetic diseases. Identifiers: MedGen C0950123, MeSH D030342.
Isolated growth hormone deficiency type IB (IGHD1B). Also called: IGHD 1B; IGHD IB. Identifiers: Orphanet 231671, Orphanet 631, MedGen C2748571, MONDO:0013006, OMIM 612781.

Allele frequency attached by ClinVar (database versions not stated): TOPMed 0.00028; ESP Exome Variant Server 0.00031; ExAC 0.00032; gnomAD exomes 0.00045; gnomAD 0.00022 and 0.00023.
gnomAD v4.1: 339 of 1,259,010 alleles (0.027%); highest among the groups gnomAD compares: Non-Finnish European, 0.0048%; 5 homozygotes.

Submissions (4):

Labcorp Genetics (formerly Invitae), Labcorp
Classification: Benign. Last evaluated: 2026-01-05. Review status: criteria provided, single submitter. Criteria: Invitae Variant Classification Sherloc (09022015). Collection method: clinical testing. Allele origin: germline.

CeGaT Center for Human Genetics Tuebingen
Classification: Likely benign. Last evaluated: 2025-03-01. Review status: criteria provided, single submitter. Criteria: CeGaT Center For Human Genetics Tuebingen Variant Classification Criteria Version 2. Collection method: clinical testing. Allele origin: germline. Affected: yes. Observed: 1 variant allele.
Comment: GHRHR: BP4, BS1

Ambry Genetics
Classification: Uncertain significance for Inborn genetic diseases. Last evaluated: 2021-06-11. Review status: criteria provided, single submitter. Criteria: Ambry Variant Classification Scheme 2023. Collection method: clinical testing. Allele origin: germline.

Illumina Laboratory Services, Illumina
Classification: Uncertain significance for Isolated growth hormone deficiency type IB. Last evaluated: 2018-01-13. Review status: criteria provided, single submitter. Criteria: ICSL Variant Classification Criteria 13 December 2019. Collection method: clinical testing. Allele origin: germline.